The following is an entry in ClinVar:

NM_001009999.3(KDM1A):c.271C>A (p.Pro91Thr)

Gene: KDM1A (lysine demethylase 1A; plus strand). Cytogenetic location: 1p36.12.
Variant type: single nucleotide variant.
Coding change: c.271C>A on transcript NM_001009999.3 (MANE Select); coding-DNA position 271, C replaced by A.
Protein change: p.Pro91Thr; replaces proline 91 with threonine.
Molecular consequence: missense variant.
Genome position (GRCh38, 1-based): chr1:23,019,867, C>A. VCF-style: chr1-23019867-C-A. GRCh37 (hg19) VCF-style: chr1-23346360-C-A.
Other names: c.271C>A, p.Pro91Thr (NM_001363654.2, NM_001410762.1, NM_001410763.1 and 1 more transcripts); short protein forms P91T.
Identifiers: ClinVar variation 4042105 (VCV004042105.1).

ClinVar aggregate classification (germline): Uncertain significance (1 of 4 stars; one submission).

Conditions:
Inborn genetic diseases. Identifiers: MedGen C0950123, MeSH D030342.

Submission:

Ambry Genetics
Classification: Uncertain significance for Inborn genetic diseases. Last evaluated: 2025-04-13. Review status: criteria provided, single submitter. Criteria: Ambry Variant Classification Scheme 2023. Collection method: clinical testing. Allele origin: germline.
Comment: The p.P91T variant (also known as c.271C>A), located in coding exon 1 of the KDM1A gene, results from a C to A substitution at nucleotide position 271. The proline at codon 91 is replaced by threonine, an amino acid with highly similar properties. This amino acid position is conserved. In addition, this alteration is predicted to be tolerated by in silico analysis. Based on the available evidence, the clinical significance of this variant remains unclear.